The following is an entry in ClinVar:

NM_201384.3(PLEC):c.11066C>G (p.Thr3689Arg)

Gene: PLEC (plectin; minus strand). Cytogenetic location: 8q24.3.
Variant type: single nucleotide variant.
Coding change: c.11066C>G on transcript NM_201384.3 (MANE Select); coding-DNA position 11066, C replaced by G.
Protein change: p.Thr3689Arg; replaces threonine 3689 with arginine.
Molecular consequence: missense variant.
Genome position (GRCh38, 1-based): chr8:143,918,755, G>C on the plus strand (C>G on the coding strand, the complement: PLEC is on the minus strand). VCF-style: chr8-143918755-G-C. GRCh37 (hg19) VCF-style: chr8-144992923-G-C.
Other names: c.11066C>G, p.Thr3689Arg (NM_201382.4); c.11078C>G, p.Thr3693Arg (NM_201383.3); c.11147C>G, p.Thr3716Arg (NM_000445.5); c.7766C>G, p.Thr2589Arg (NM_001410941.1); c.11024C>G, p.Thr3675Arg (NM_201378.4); c.11000C>G, p.Thr3667Arg (NM_201379.3); c.11477C>G, p.Thr3826Arg (NM_201380.4); c.10970C>G, p.Thr3657Arg (NM_201381.3); short protein forms T2589R, T3675R, T3693R, T3716R, T3826R, T3657R, T3667R, T3689R.
Identifiers: ClinVar variation 2939956 (VCV002939956.3), dbSNP rs377252521, ClinGen allele CA372494619.

ClinVar aggregate classification (germline): Uncertain significance (1 of 4 stars; one submission).

Conditions:
Epidermolysis bullosa simplex with nail dystrophy (EBS5D). Identifiers: MedGen C4225309, MONDO:0014661, OMIM 616487.
Epidermolysis bullosa simplex, Ogna type (EBS5A). Also called: Pidermolysis bullosa simplex 5A, Ogna type; EPIDERMOLYSIS BULLOSA SIMPLEX 5A, OGNA TYPE. Identifiers: Orphanet 79401, MedGen C0432317, MONDO:0007555, OMIM 131950.
Autosomal recessive limb-girdle muscular dystrophy type 2Q (LGMDR17). Also called: MUSCULAR DYSTROPHY, LIMB-GIRDLE, AUTOSOMAL RECESSIVE 17. Identifiers: Orphanet 254361, MedGen C3150989, MONDO:0013390, OMIM 613723.
Epidermolysis bullosa simplex 5B, with muscular dystrophy (EBS5B). Also called: EPIDERMOLYSIS BULLOSA SIMPLEX AND LIMB-GIRDLE MUSCULAR DYSTROPHY; Epidermolysis bullosa simplex with muscular dystrophy. Identifiers: Orphanet 257, MedGen C2931072, MONDO:0009181, OMIM 226670.
Epidermolysis bullosa simplex 5C, with pyloric atresia (EBS5C). Also called: PLEC-Related Epidermolysis Bullosa with Pyloric Atresia; Epidermolysis bullosa simplex with pyloric atresia; PLEC1-Related Epidermolysis Bullosa with Pyloric Atresia. Identifiers: Orphanet 158684, MedGen C2677349, MONDO:0012807, OMIM 612138.

Submission:

Labcorp Genetics (formerly Invitae), Labcorp
Classification: Uncertain significance for Autosomal recessive limb-girdle muscular dystrophy type 2Q; Epidermolysis bullosa simplex, Ogna type; Epidermolysis bullosa simplex with nail dystrophy; Epidermolysis bullosa simplex 5C, with pyloric atresia; Epidermolysis bullosa simplex 5B, with muscular dystrophy. Last evaluated: 2025-03-17. Review status: criteria provided, single submitter. Criteria: Invitae Variant Classification Sherloc (09022015). Collection method: clinical testing. Allele origin: germline.
Comment: This sequence change replaces threonine, which is neutral and polar, with arginine, which is basic and polar, at codon 3716 of the PLEC protein (p.Thr3716Arg). This variant is not present in population databases (gnomAD no frequency). This variant has not been reported in the literature in individuals affected with PLEC-related conditions. ClinVar contains an entry for this variant (Variation ID: 2939956). An algorithm developed to predict the effect of missense changes on protein structure and function (PolyPhen-2) suggests that this variant is likely to be disruptive. In summary, the available evidence is currently insufficient to determine the role of this variant in disease. Therefore, it has been classified as a Variant of Uncertain Significance.